The following is an entry in ClinVar:

ClinVar aggregate classification (germline): Likely pathogenic (1 of 4 stars; one submission).

Submission:

Labcorp Genetics (formerly Invitae), Labcorp
Classification: Likely pathogenic. Last evaluated: 2022-04-19. Review status: criteria provided, single submitter. Criteria: Invitae Variant Classification Sherloc (09022015). Collection method: clinical testing. Allele origin: germline.
Comment: This variant is not present in population databases (gnomAD no frequency). This sequence change affects an acceptor splice site in intron 10 of the SZT2 gene. It is expected to disrupt RNA splicing. Variants that disrupt the donor or acceptor splice site typically lead to a loss of protein function (PMID: 16199547), and loss-of-function variants in SZT2 are known to be pathogenic (PMID: 23932106, 27248490, 28556953). In summary, the currently available evidence indicates that the variant is pathogenic, but additional data are needed to prove that conclusively. Therefore, this variant has been classified as Likely Pathogenic. Algorithms developed to predict the effect of sequence changes on RNA splicing suggest that this variant may disrupt the consensus splice site. This variant has not been reported in the literature in individuals affected with SZT2-related conditions.

Literature cited by the submitters: PubMed 16199547; PubMed 23932106; PubMed 27248490; PubMed 28556953.

NM_001365999.1(SZT2):c.1497-1G>A

Gene: SZT2 (SZT2 subunit of KICSTOR complex; plus strand). Cytogenetic location: 1p34.2.
Variant type: single nucleotide variant.
Coding change: c.1497-1G>A on transcript NM_001365999.1 (MANE Select); the canonical splice acceptor site of the intron before coding-DNA position 1497, G replaced by A.
Molecular consequence: splice acceptor variant.
Genome position (GRCh38, 1-based): chr1:43,421,173, G>A. VCF-style: chr1-43421173-G-A. GRCh37 (hg19) VCF-style: chr1-43886844-G-A.
Other names: c.1497-1G>A (NM_015284.4).
Identifiers: ClinVar variation 2128030 (VCV002128030.4), dbSNP rs2545803481, ClinGen allele CA340007943.